The following is an entry in ClinVar:

ClinVar aggregate classification (germline): Uncertain significance (1 of 4 stars; one submission).

Submission:

GeneDx
Classification: Uncertain significance. Last evaluated: 2022-11-08. Review status: criteria provided, single submitter. Criteria: GeneDx Variant Classification Process June 2021. Collection method: clinical testing. Allele origin: germline. Affected: yes.
Comment: Not observed at significant frequency in large population cohorts (gnomAD); In silico analysis supports that this missense variant has a deleterious effect on protein structure/function; Has not been previously published as pathogenic or benign to our knowledge

NM_005422.4(TECTA):c.4123A>G (p.Asn1375Asp)

Genes: TBCEL-TECTA (TBCEL-TECTA readthrough; plus strand), TECTA (tectorin alpha; plus strand). Cytogenetic location: 11q23.3.
Variant type: single nucleotide variant.
Coding change: c.4123A>G on transcript NM_005422.4 (MANE Select); coding-DNA position 4123, A replaced by G.
Protein change: p.Asn1375Asp; replaces asparagine 1375 with aspartic acid.
Molecular consequence: missense variant.
Genome position (GRCh38, 1-based): chr11:121,152,898, A>G. VCF-style: chr11-121152898-A-G. GRCh37 (hg19) VCF-style: chr11-121023607-A-G.
Other names: c.5080A>G, p.Asn1694Asp (NM_001378761.1); short protein forms N1375D, N1694D.
Identifiers: ClinVar variation 2501447 (VCV002501447.1), dbSNP rs2496962618, ClinGen allele CA383025030.